The following is an entry in ClinVar:

NM_001457.4(FLNB):c.5110G>T (p.Ala1704Ser)

Gene: FLNB (filamin B; plus strand). Cytogenetic location: 3p14.3.
Variant type: single nucleotide variant.
Coding change: c.5110G>T on transcript NM_001457.4 (MANE Select); coding-DNA position 5110, G replaced by T.
Protein change: p.Ala1704Ser; replaces alanine 1704 with serine.
Molecular consequence: missense variant. On other transcripts: intron variant (1).
Genome position (GRCh38, 1-based): chr3:58,141,858, G>T. VCF-style: chr3-58141858-G-T. GRCh37 (hg19) VCF-style: chr3-58127585-G-T.
Other names: c.5203G>T, p.Ala1735Ser (NM_001164317.2); c.5110G>T, p.Ala1704Ser (NM_001164318.2); c.5110-792G>T (NM_001164319.2); short protein forms A1704S, A1735S.
Identifiers: ClinVar variation 2334287 (VCV002334287.3), dbSNP rs2471183968, ClinGen allele CA353353286.

ClinVar aggregate classification (germline): Uncertain significance. Review status: criteria provided, multiple submitters, no conflicts (2 of 4 stars). 2 submissions from 2 submitters: Uncertain significance (2). Last evaluated 2022-12-13.

Conditions:
Inborn genetic diseases. Identifiers: MedGen C0950123, MeSH D030342.

Allele frequency attached by ClinVar (database versions not stated): gnomAD exomes below 0.00001.
gnomAD v4.1: 1 of 1,614,020 alleles (0.000062%); highest among the groups gnomAD compares: East Asian, 0.0022%; no homozygotes.

Submissions (2):

Ambry Genetics
Classification: Uncertain significance for Inborn genetic diseases. Last evaluated: 2022-12-13. Review status: criteria provided, single submitter. Criteria: Ambry Variant Classification Scheme 2023. Collection method: clinical testing. Allele origin: germline.

GeneDx
Classification: Uncertain significance. Last evaluated: 2022-09-12. Review status: criteria provided, single submitter. Criteria: GeneDx Variant Classification Process June 2021. Collection method: clinical testing. Allele origin: germline. Affected: yes.
Comment: Not observed at significant frequency in large population cohorts (gnomAD); In silico analysis supports that this missense variant does not alter protein structure/function; Has not been previously published as pathogenic or benign to our knowledge